The following is an entry in ClinVar:

NM_001160372.4(TRAPPC9):c.3114C>T (p.Gly1038=)

Gene: TRAPPC9 (trafficking protein particle complex subunit 9; minus strand). Cytogenetic location: 8q24.3.
Variant type: single nucleotide variant.
Coding change: c.3114C>T on transcript NM_001160372.4 (MANE Select); coding-DNA position 3114, C replaced by T.
Protein change: p.Gly1038=; no amino-acid change (glycine 1038 retained).
Molecular consequence: synonymous variant. On other transcripts: non-coding transcript variant (1).
Genome position (GRCh38, 1-based): chr8:139,732,144, G>A on the plus strand (C>T on the coding strand, the complement: TRAPPC9 is on the minus strand). VCF-style: chr8-139732144-G-A. GRCh37 (hg19) VCF-style: chr8-140744387-G-A.
Other names: c.3087C>T, p.Gly1029= (NM_001321646.2); c.3135C>T, p.Gly1045= (NM_001374682.1); c.3003C>T, p.Gly1001= (NM_001374683.1); c.2970C>T, p.Gly990= (NM_001374684.1); c.3114C>T, p.Gly1038= (NM_031466.8); c.3408C>T (NM_031466.7).
Identifiers: ClinVar variation 1615514 (VCV001615514.12), dbSNP rs374300007, ClinGen allele CA4892805.

ClinVar aggregate classification (germline): Conflicting classifications of pathogenicity. Review status: criteria provided, conflicting classifications (1 of 4 stars). 4 submissions from 4 submitters: Uncertain significance (1); Likely benign (2). 1 of the submissions does not count toward it. Last evaluated 2025-03-19.

Conditions:
Inborn genetic diseases. Identifiers: MedGen C0950123, MeSH D030342.
TRAPPC9-related disorder. Also called: TRAPPC9-related condition.

Allele frequency attached by ClinVar (database versions not stated): gnomAD exomes 0.00006 and 0.00008; gnomAD 0.00013 and 0.00014; ExAC 0.00015; ESP Exome Variant Server 0.00015; TOPMed 0.00018.
gnomAD v4.1: 113 of 1,604,270 alleles (0.007%); highest among the groups gnomAD compares: African/African-American, 0.036%; no homozygotes.

Submissions (4):

Labcorp Genetics (formerly Invitae), Labcorp
Classification: Likely benign. Last evaluated: 2025-03-19. Review status: criteria provided, single submitter. Criteria: Invitae Variant Classification Sherloc (09022015). Collection method: clinical testing. Allele origin: germline.

GeneDx
Classification: Uncertain significance. Last evaluated: 2024-03-01. Review status: criteria provided, single submitter. Criteria: GeneDx Variant Classification Process June 2021. Collection method: clinical testing. Allele origin: germline. Affected: yes.
Comment: Has not been previously published as pathogenic or benign to our knowledge; In silico analysis suggests this variant may impact gene splicing. In the absence of RNA/functional studies, the actual effect of this sequence change is unknown.

Ambry Genetics
Classification: Likely benign for Inborn genetic diseases. Last evaluated: 2017-07-25. Review status: criteria provided, single submitter. Criteria: Ambry Variant Classification Scheme 2023. Collection method: clinical testing. Allele origin: germline.

PreventionGenetics, part of Exact Sciences
Classification: Likely benign for TRAPPC9-related condition. Last evaluated: 2019-05-28. Review status: no assertion criteria provided. Collection method: clinical testing. Allele origin: germline. Not counted in ClinVar's aggregate classification.
Comment: This variant is classified as likely benign based on ACMG/AMP sequence variant interpretation guidelines (Richards et al. 2015 PMID: 25741868, with internal and published modifications).